The following is an entry in ClinVar:

ClinVar aggregate classification (germline): Uncertain significance (1 of 4 stars; one submission).

Submission:

CeGaT Center for Human Genetics Tuebingen
Classification: Uncertain significance. Last evaluated: 2023-03-01. Review status: criteria provided, single submitter. Criteria: CeGaT Center For Human Genetics Tuebingen Variant Classification Criteria Version 2. Collection method: clinical testing. Allele origin: germline. Affected: yes. Observed: 1 variant allele.
Comment: COL5A2: PM2, BP4

NM_000393.5(COL5A2):c.2770-6T>A

Gene: COL5A2 (collagen type V alpha 2 chain; minus strand). Cytogenetic location: 2q32.2.
Variant type: single nucleotide variant.
Coding change: c.2770-6T>A on transcript NM_000393.5 (MANE Select); 6 bases into the intron before coding-DNA position 2770, T replaced by A.
Molecular consequence: intron variant.
Genome position (GRCh38, 1-based): chr2:189,051,487, A>T on the plus strand (T>A on the coding strand, the complement: COL5A2 is on the minus strand). VCF-style: chr2-189051487-A-T. GRCh37 (hg19) VCF-style: chr2-189916213-A-T.
Identifiers: ClinVar variation 2498859 (VCV002498859.28), dbSNP rs770409954, ClinGen allele CA2580065301.